The following is an entry in ClinVar:

ClinVar aggregate classification (germline): Pathogenic (1 of 4 stars; one submission).

Conditions:
Autoimmune lymphoproliferative syndrome type 1. Also called: AUTOIMMUNE LYMPHOPROLIFERATIVE SYNDROME, TYPE I, AUTOSOMAL DOMINANT. Identifiers: Orphanet 3261, MedGen C2717884, MONDO:0011158, OMIM 601859.

Submission:

Labcorp Genetics (formerly Invitae), Labcorp
Classification: Pathogenic for Autoimmune lymphoproliferative syndrome. Last evaluated: 2024-01-20. Review status: criteria provided, single submitter. Criteria: Invitae Variant Classification Sherloc (09022015). Collection method: clinical testing. Allele origin: unknown.
Comment: This variant is a gross deletion of the genomic region encompassing exon(s) 2 of the FAS gene. This deletion is out-of-frame, and is expected to create a premature termination codon and result in an absent or disrupted protein product. Loss-of-function variants in FAS are known to be pathogenic (PMID: 10875918, 22237435). This variant has not been reported in the literature in individuals affected with FAS-related conditions. For these reasons, this variant has been classified as Pathogenic.

Literature cited by the submitters: PubMed 10875918; PubMed 22237435.

NC_000010.10:g.(?_90762766)_(90762971_?)del

Gene: FAS (Fas cell surface death receptor; plus strand). Cytogenetic location: 10q23.31.
Variant type: Deletion.
Identifiers: ClinVar variation 3244831 (VCV003244831.1).